The following is an entry in ClinVar:

NM_001849.4(COL6A2):c.2341C>T (p.Gln781Ter)

Gene: COL6A2 (collagen type VI alpha 2 chain; plus strand). Cytogenetic location: 21q22.3.
Variant type: single nucleotide variant.
Coding change: c.2341C>T on transcript NM_001849.4 (MANE Select); coding-DNA position 2341, C replaced by T.
Protein change: p.Gln781Ter; replaces glutamine 781 with a stop codon.
Molecular consequence: nonsense.
Genome position (GRCh38, 1-based): chr21:46,126,156, C>T. VCF-style: chr21-46126156-C-T. GRCh37 (hg19) VCF-style: chr21-47546070-C-T.
Other names: c.2341C>T, p.Gln781Ter (NM_058174.3, NM_058175.3); short protein forms Q781*.
Identifiers: ClinVar variation 1358090 (VCV001358090.6), dbSNP rs2123664803, ClinGen allele CA410542638.

ClinVar aggregate classification (germline): Pathogenic (1 of 4 stars; one submission).

Conditions:
Bethlem myopathy 1A. Also called: MYOPATHY, BENIGN CONGENITAL, WITH CONTRACTURES; Bethlem Muscular Dystrophy; Bethlem myopathy 1. Identifiers: Orphanet 610, MedGen CN029274, MONDO:0024530, OMIM 158810.

Submission:

Labcorp Genetics (formerly Invitae), Labcorp
Classification: Pathogenic for Bethlem myopathy 1A. Last evaluated: 2022-07-12. Review status: criteria provided, single submitter. Criteria: Invitae Variant Classification Sherloc (09022015). Collection method: clinical testing. Allele origin: germline.
Comment: For these reasons, this variant has been classified as Pathogenic. ClinVar contains an entry for this variant (Variation ID: 1358090). This variant has not been reported in the literature in individuals affected with COL6A2-related conditions. This variant is not present in population databases (gnomAD no frequency). This sequence change creates a premature translational stop signal (p.Gln781*) in the COL6A2 gene. It is expected to result in an absent or disrupted protein product. Loss-of-function variants in COL6A2 are known to be pathogenic (PMID: 19884007, 20976770).

Literature cited by the submitters: PubMed 19884007; PubMed 20976770.